The following is an entry in ClinVar:

ClinVar aggregate classification (germline): Likely pathogenic (1 of 4 stars; one submission).

Conditions:
Schimke immuno-osseous dysplasia (SIOD). Also called: Schimke Immunoosseous Dysplasia. Identifiers: Orphanet 1830, MedGen C0877024, MONDO:0009458, OMIM 242900.

Submission:

Labcorp Genetics (formerly Invitae), Labcorp
Classification: Likely pathogenic for Schimke immuno-osseous dysplasia. Last evaluated: 2024-01-18. Review status: criteria provided, single submitter. Criteria: Invitae Variant Classification Sherloc (09022015). Collection method: clinical testing. Allele origin: unknown.
Comment: This variant results in a copy number gain of the genomic region encompassing exon(s) 5-12 of the SMARCAL1 gene. While the exact position of this variant cannot be determined from the data, sub-genic copy number gains are generally in tandem (PMID: 25640679). This variant is predicted to be out-of-frame, and may result in an absent or disrupted protein product. Loss-of-function variants in SMARCAL1 are known to be pathogenic (PMID: 11799392, 20301550). This variant has not been reported in the literature in individuals affected with SMARCAL1-related conditions. In summary, the currently available evidence indicates that the variant is pathogenic, but additional data are needed to prove that conclusively. Therefore, this variant has been classified as Likely Pathogenic.

Literature cited by the submitters: PubMed 25640679; PubMed 11799392; PubMed 20301550.

NC_000002.11:g.(?_217285002)_(217315807_?)dup

Gene: SMARCAL1 (SNF2 related chromatin remodeling annealing helicase 1; plus strand). Cytogenetic location: 2q35.
Variant type: Duplication.
Identifiers: ClinVar variation 3247222 (VCV003247222.1).